The following is an entry in ClinVar:

ClinVar aggregate classification (germline): Pathogenic (1 of 4 stars; one submission).

Conditions:
Niemann-Pick disease, type B. Also called: Chronic Visceral ASMD (Niemann-Pick Disease Type B; NPD-B). Identifiers: Orphanet 77293, MedGen C0268243, MONDO:0011871, OMIM 607616. Disease mechanism: loss of function.
Niemann-Pick disease, type A. Also called: Infantile Neurovisceral ASMD (Niemann-Pick Disease Type A; NPD-A); SPHINGOMYELIN LIPIDOSIS; SPHINGOMYELINASE DEFICIENCY. Identifiers: Orphanet 77292, MedGen C0268242, MONDO:0009756, OMIM 257200. Disease mechanism: loss of function.

Allele frequency attached by ClinVar (database versions not stated): gnomAD exomes below 0.00001.

Submission:

Labcorp Genetics (formerly Invitae), Labcorp
Classification: Pathogenic for Niemann-Pick disease, type B; Niemann-Pick disease, type A. Last evaluated: 2022-08-02. Review status: criteria provided, single submitter. Criteria: Invitae Variant Classification Sherloc (09022015). Collection method: clinical testing. Allele origin: germline.
Comment: For these reasons, this variant has been classified as Pathogenic. This variant has not been reported in the literature in individuals affected with SMPD1-related conditions. This variant is not present in population databases (gnomAD no frequency). This sequence change creates a premature translational stop signal (p.Leu35Alafs*15) in the SMPD1 gene. It is expected to result in an absent or disrupted protein product. Loss-of-function variants in SMPD1 are known to be pathogenic (PMID: 12369017, 15221801).

Literature cited by the submitters: PubMed 12369017; PubMed 15221801.

NM_000543.5(SMPD1):c.103_107del (p.Leu35fs)

Gene: SMPD1 (sphingomyelin phosphodiesterase 1; plus strand). Cytogenetic location: 11p15.4.
Variant type: Deletion.
Coding change: c.103_107del on transcript NM_000543.5 (MANE Select); coding-DNA positions 103 to 107, 5 bases deleted (CTGGT; older notation c.103_107delCTGGT).
Protein change: p.Leu35fs; shifts the reading frame from leucine 35.
Molecular consequence: frameshift variant. On other transcripts: 5 prime UTR variant (1), non-coding transcript variant (2).
Genome position (GRCh38, 1-based): chr11:6,390,701-6,390,705, CTGGT deleted. VCF-style (leftmost placement, unchanged base first): chr11-6390700-CCTGGT-C. GRCh37 (hg19) VCF-style: chr11-6411930-CCTGGT-C.
Other names: c.103_107del, p.Leu35fs (NM_001007593.3, NM_001318087.2, NM_001365135.2); c.-859_-855del (NM_001318088.2); short protein forms L35fs.
Identifiers: ClinVar variation 2013337 (VCV002013337.4), dbSNP rs2493799100, ClinGen allele CA472909374.